The following is an entry in ClinVar:

NC_000016.9:g.(?_51185057)_(51185152_?)del

Gene: SALL1 (spalt like transcription factor 1; minus strand). Cytogenetic location: 16q12.1.
Variant type: Deletion.
Identifiers: ClinVar variation 2424574 (VCV002424574.5).

ClinVar aggregate classification (germline): Pathogenic (1 of 4 stars; one submission).

Conditions:
Townes syndrome (TBS). Also called: Townes-Brocks syndrome. Identifiers: Orphanet 857, MedGen C0265246, MeSH C536974, MONDO:0007142.

Submission:

Labcorp Genetics (formerly Invitae), Labcorp
Classification: Pathogenic for Townes syndrome. Last evaluated: 2022-05-06. Review status: criteria provided, single submitter. Criteria: Invitae Variant Classification Sherloc (09022015). Collection method: clinical testing. Allele origin: germline.
Comment: This variant is a gross deletion of the genomic region encompassing exon(s) 1 of the SALL1 gene, which includes the initiator codon. This deletion extends beyond the assayed region for this gene and therefore may encompass additional genes. It is expected to result in an absent or disrupted protein product. Loss-of-function variants in SALL1 are known to be pathogenic (PMID: 9973281, 12915476, 16088922, 23069192). For these reasons, this variant has been classified as Pathogenic. This variant has not been reported in the literature in individuals affected with SALL1-related conditions.

Literature cited by the submitters: PubMed 9973281; PubMed 12915476; PubMed 16088922; PubMed 23069192.